The following is an entry in ClinVar:

NM_000524.4(HTR1A):c.-480del

Gene: HTR1A (5-hydroxytryptamine receptor 1A; minus strand). Cytogenetic location: 5q12.3.
Variant type: Deletion.
Coding change: c.-480del on transcript NM_000524.4 (MANE Select); 480 bases upstream of the start codon, one base deleted (A; older notation c.-480delA).
Molecular consequence: 5 prime UTR variant.
Genome position (GRCh38, 1-based): chr5:63,962,199, T deleted on the plus strand (A on the coding strand, the reverse complement: HTR1A is on the minus strand); the first of 2 consecutive T bases (chr5:63,962,199-63,962,200); deleting either gives the same sequence. VCF-style (leftmost placement, unchanged base first): chr5-63962198-CT-C. GRCh37 (hg19) VCF-style: chr5-63258025-CT-C.
Identifiers: ClinVar variation 31658 (VCV000031658.27), dbSNP rs367956927, ClinGen allele CA129877.

ClinVar aggregate classification (germline): Conflicting classifications of pathogenicity. Review status: criteria provided, conflicting classifications (1 of 4 stars). 3 submissions from 3 submitters: Uncertain significance (1); Likely benign (1). 1 of the submissions does not count toward it. Last evaluated 2023-08-01.

Conditions:
Menstrual cycle-dependent periodic fever. Identifiers: Orphanet 498251, MedGen C3553418, MONDO:0044660, OMIM 614674.

Submissions (3):

CeGaT Center for Human Genetics Tuebingen
Classification: Likely benign. Last evaluated: 2023-08-01. Review status: criteria provided, single submitter. Criteria: CeGaT Center For Human Genetics Tuebingen Variant Classification Criteria Version 2. Collection method: clinical testing. Allele origin: germline. Affected: yes. Observed: 1 variant allele.
Comment: HTR1A: BS1

Mendelics
Classification: Uncertain significance. Last evaluated: 2022-05-04. Review status: criteria provided, single submitter. Criteria: Mendelics Assertion Criteria 2019. Collection method: clinical testing. Allele origin: germline.

OMIM
Classification: Pathogenic for PERIODIC FEVER, MENSTRUAL CYCLE-DEPENDENT (1 patient). Last evaluated: 2012-01-01. Review status: no assertion criteria provided. Collection method: literature only. Allele origin: germline. Not counted in ClinVar's aggregate classification.

Literature cited by the submitters: PubMed 21990073 (cited by OMIM).